The following is an entry in ClinVar:

NM_139343.3(BIN1):c.277G>T (p.Asp93Tyr)

Gene: BIN1 (bridging integrator 1; minus strand). Cytogenetic location: 2q14.3.
Variant type: single nucleotide variant.
Coding change: c.277G>T on transcript NM_139343.3 (MANE Select); coding-DNA position 277, G replaced by T.
Protein change: p.Asp93Tyr; replaces aspartic acid 93 with tyrosine.
Molecular consequence: missense variant.
Genome position (GRCh38, 1-based): chr2:127,070,591, C>A on the plus strand (G>T on the coding strand, the complement: BIN1 is on the minus strand). VCF-style: chr2-127070591-C-A. GRCh37 (hg19) VCF-style: chr2-127828167-C-A.
Other names: c.277G>T, p.Asp93Tyr (NM_001320632.2, NM_001320633.2, NM_001320640.2 and 10 more transcripts); c.205G>T, p.Asp69Tyr (NM_001320634.1); c.196G>T, p.Asp66Tyr (NM_001320642.1); c.277G>T (NM_139343.2); short protein forms D66Y, D69Y, D93Y.
Identifiers: ClinVar variation 1016521 (VCV001016521.9), dbSNP rs774273606, ClinGen allele CA1857531.
Genomic context (GRCh38, chr2:127,070,591, plus strand): 5'-GGCCCACCTGTCCCATGCTCACCTCTGCGATCTTGTTTGCCTCATCCCTGCCGGGCCAAT[C>A]GGGCTCATACACCTCCTGCAGACACTCATTCAGCTTCTTGGAAGCCTCGTGCATGGCTGT-3'
Protein context (NP_647593.1, residues 83-103): NECLQEVYEP[Asp93Tyr]WPGRDEANKI

ClinVar aggregate classification (germline): Uncertain significance. Review status: criteria provided, multiple submitters, no conflicts (2 of 4 stars). 2 submissions from 2 submitters: Uncertain significance (2). Last evaluated 2024-12-21.

Conditions:
Inborn genetic diseases. Identifiers: MedGen C0950123, MeSH D030342.
Myopathy, centronuclear, 2 (CNM2). Also called: MYOTUBULAR MYOPATHY, AUTOSOMAL RECESSIVE. Identifiers: Orphanet 169186, MedGen CN031787, MONDO:0009709, OMIM 255200.

Allele frequency attached by ClinVar (database versions not stated): TOPMed 0.00003; gnomAD 0.00002.
gnomAD v4.1: 12 of 1,614,006 alleles (0.00074%); highest among the groups gnomAD compares: African/African-American, 0.0027%; no homozygotes.

Submissions (2):

Ambry Genetics
Classification: Uncertain significance for Inborn genetic diseases. Last evaluated: 2024-12-21. Review status: criteria provided, single submitter. Criteria: Ambry Variant Classification Scheme 2023. Collection method: clinical testing. Allele origin: germline.

Labcorp Genetics (formerly Invitae), Labcorp
Classification: Uncertain significance for Myopathy, centronuclear, 2. Last evaluated: 2022-10-24. Review status: criteria provided, single submitter. Criteria: Invitae Variant Classification Sherloc (09022015). Collection method: clinical testing. Allele origin: germline.
Comment: This sequence change replaces aspartic acid, which is acidic and polar, with tyrosine, which is neutral and polar, at codon 93 of the BIN1 protein (p.Asp93Tyr). In summary, the available evidence is currently insufficient to determine the role of this variant in disease. Therefore, it has been classified as a Variant of Uncertain Significance. Advanced modeling of protein sequence and biophysical properties (such as structural, functional, and spatial information, amino acid conservation, physicochemical variation, residue mobility, and thermodynamic stability) performed at Invitae indicates that this missense variant is expected to disrupt BIN1 protein function. ClinVar contains an entry for this variant (Variation ID: 1016521). This variant has not been reported in the literature in individuals affected with BIN1-related conditions. This variant is present in population databases (rs774273606, gnomAD 0.004%).